The following is an entry in ClinVar:

ClinVar aggregate classification (germline): Uncertain significance (1 of 4 stars; one submission).

Conditions:
Cowden syndrome 6 (CWS6). Identifiers: Orphanet 201, MedGen C3554519, MONDO:0014048, OMIM 615109.

gnomAD v4.1: 4 of 1,613,592 alleles (0.00025%); highest among the groups gnomAD compares: Admixed American, 0.0067%; no homozygotes.

Submissions (2):

Labcorp Genetics (formerly Invitae), Labcorp
Classification: Uncertain significance for Cowden syndrome 6. Last evaluated: 2025-02-09. Review status: criteria provided, single submitter. Criteria: Invitae Variant Classification Sherloc (09022015). Collection method: clinical testing. Allele origin: germline.
Comment: This sequence change falls in intron 10 of the AKT1 gene. It does not directly change the encoded amino acid sequence of the AKT1 protein. It affects a nucleotide within the consensus splice site. The frequency data for this variant in the population databases is considered unreliable, as metrics indicate poor data quality at this position in the gnomAD database. This variant has not been reported in the literature in individuals affected with AKT1-related conditions. Variants that disrupt the consensus splice site are a relatively common cause of aberrant splicing (PMID: 17576681, 9536098). Algorithms developed to predict the effect of sequence changes on RNA splicing suggest that this variant is not likely to affect RNA splicing. In summary, the available evidence is currently insufficient to determine the role of this variant in disease. Therefore, it has been classified as a Variant of Uncertain Significance.

Dr. Peter K. Rogan Lab, Western University
No classification provided (evidence only). Condition: Thymoma. Review status: no classification provided. Collection method: in vitro. Allele origin: not applicable. Functional consequence: skipped exon, retained intron. Not counted in ClinVar's aggregate classification.

Literature cited by the submitters: PubMed 17576681 (cited by Labcorp Genetics (formerly Invitae), Labcorp); PubMed 9536098 (cited by Labcorp Genetics (formerly Invitae), Labcorp).

NM_001382430.1(AKT1):c.958-3C>T

Gene: AKT1 (AKT serine/threonine kinase 1; minus strand). Cytogenetic location: 14q32.33.
Variant type: single nucleotide variant.
Coding change: c.958-3C>T on transcript NM_001382430.1 (MANE Select); 3 bases into the intron before coding-DNA position 958, C replaced by T.
Molecular consequence: intron variant.
Genome position (GRCh38, 1-based): chr14:104,773,095, G>A on the plus strand (C>T on the coding strand, the complement: AKT1 is on the minus strand). VCF-style: chr14-104773095-G-A. GRCh37 (hg19) VCF-style: chr14-105239432-G-A.
Other names: NC_000014.8:g.105239432G>A; c.958-3C>T (NM_001014431.2, NM_001014432.2, NM_001382433.1 and 3 more transcripts).
Identifiers: ClinVar variation 4394768 (VCV004394768.2).